The following is an entry in ClinVar:

NM_006648.4(WNK2):c.463G>A (p.Asp155Asn)

Gene: WNK2 (WNK lysine deficient protein kinase 2; plus strand). Cytogenetic location: 9q22.31.
Variant type: single nucleotide variant.
Coding change: c.463G>A on transcript NM_006648.4 (MANE Select); coding-DNA position 463, G replaced by A.
Protein change: p.Asp155Asn; replaces aspartic acid 155 with asparagine.
Molecular consequence: missense variant.
Genome position (GRCh38, 1-based): chr9:93,185,392, G>A. VCF-style: chr9-93185392-G-A. GRCh37 (hg19) VCF-style: chr9-95947674-G-A.
Other names: c.463G>A, p.Asp155Asn (NM_001282394.3); short protein forms D155N.
Identifiers: ClinVar variation 3982038 (VCV003982038.1).

ClinVar aggregate classification (germline): Uncertain significance (1 of 4 stars; one submission).

gnomAD v4.1: 8 of 1,600,914 alleles (0.0005%); highest among the groups gnomAD compares: Non-Finnish European, 0.00068%; no homozygotes.

Submission:

Ambry Genetics
Classification: Uncertain significance. Last evaluated: 2025-05-15. Review status: criteria provided, single submitter. Criteria: Ambry Variant Classification Scheme 2023. Collection method: clinical testing. Allele origin: germline.
Comment: The p.D155N variant (also known as c.463G>A), located in coding exon 1 of the WNK2 gene, results from a G to A substitution at nucleotide position 463. The aspartic acid at codon 155 is replaced by asparagine, an amino acid with highly similar properties. This amino acid position is conserved. In addition, this alteration is predicted to be tolerated by in silico analysis. Based on the available evidence, the clinical significance of this variant remains unclear.